The following continues an entry in ClinVar:

NM_000540.3(RYR1):c.6599C>T (p.Ala2200Val)

Gene: RYR1. ClinVar aggregate classification (germline): Likely pathogenic. Likely pathogenic (1).

Submissions 8 to 13 of 13:

All of Us Research Program, National Institutes of Health
Classification: Uncertain significance for Malignant hyperthermia, susceptibility to, 1. Last evaluated: 2024-08-06. Review status: criteria provided, single submitter. Criteria: ACMG Guidelines, 2015. Collection method: clinical testing. Allele origin: germline. Inheritance: Autosomal dominant inheritance. Observed: 12 variant alleles, 12 heterozygotes. Not counted in ClinVar's aggregate classification.
Comment: This missense variant replaces alanine with valine at codon 2200 of the RYR1 protein. Computational prediction is inconclusive regarding the impact of this variant on protein structure and function (internally defined REVEL score threshold 0.5 < inconclusive < 0.7, PMID: 27666373). To our knowledge, functional studies have not been reported for this variant. This variant has been reported in several individuals affected with malignant hyperthermia susceptibility (PMID: 15731587, 21455645, 30236257). One study has reported that this variant did not segregate with the malignant hyperthermia susceptibility phenotype in the pedigrees analyzed and concluded this variant might be a common polymorphism (PMID: 19191333). This variant has been identified in 11/282610 chromosomes in the general population by the Genome Aggregation Database (gnomAD). The available evidence is insufficient to determine the role of this variant in disease conclusively. Therefore, this variant is classified as a Variant of Uncertain Significance.

This study involves interpretation of variants in research participants for the purpose of population health screening. Participant phenotype was not available at the time of variant classification. Additional details can be found in publication PMID: 35346344, PMCID: PMC8962531

Color Diagnostics, LLC DBA Color Health
Classification: Uncertain significance for Malignant hyperthermia, susceptibility to, 1. Last evaluated: 2024-06-05. Review status: criteria provided, single submitter. Criteria: ACMG Guidelines, 2015. Collection method: clinical testing. Allele origin: germline. Not counted in ClinVar's aggregate classification.
Comment: This missense variant replaces alanine with valine at codon 2200 of the RYR1 protein. Computational prediction is inconclusive regarding the impact of this variant on protein structure and function. To our knowledge, functional studies have not been reported for this variant. This variant has been reported in several individuals affected with malignant hyperthermia susceptibility (PMID: 15731587, 21455645, 30236257). One study has reported that this variant did not segregate with the malignant hyperthermia susceptibility phenotype in the pedigrees analyzed and concluded this variant might be a common polymorphism (PMID: 19191333). This variant has been identified in 11/282610 chromosomes in the general population by the Genome Aggregation Database (gnomAD). The available evidence is insufficient to determine the role of this variant in disease conclusively. Therefore, this variant is classified as a Variant of Uncertain Significance.

Juno Genomics, Hangzhou Juno Genomics, Inc
Classification: Likely pathogenic for Malignant hyperthermia, susceptibility to, 1. Review status: criteria provided, single submitter. Criteria: ACMG Guidelines, 2015. Collection method: clinical testing. Allele origin: germline. Not counted in ClinVar's aggregate classification.
Comment: Located in a mutational hot spot and/or critical and well-established functional domain without benign variation.;The prevalence of the variant in affected individuals is significantly increased compared to the prevalence in controls.;Co-segregation with disease in multiple affected family members.

Neuberg Centre For Genomic Medicine, NCGM
Classification: Likely pathogenic for Central core myopathy. Review status: criteria provided, single submitter. Criteria: ACMG Guidelines, 2015. Collection method: clinical testing. Allele origin: germline. Affected: yes. Not counted in ClinVar's aggregate classification.
Comment: The missense variant p.A2200V in RYR1 (NM_000540.3) has been previously reported with malignant hyperthermia susceptibility in affected individuals (Kraeva N et al,Robinson R et al). The variant is present in a functional domain associated with malignant hyperthermia (Galli L et al). The variant has been submitted to ClinVar as Pathogenic/Likely Pahogenic. The p.A2200V variant is observed in 3/18,390 (0.0163%) alleles from individuals of East Asian background in gnomAD Exomes and is novel (not in any individuals) in 1000 Genomes. For these reasons, this variant has been classified as Likely Pathogenic

PreventionGenetics, part of Exact Sciences
Classification: Uncertain significance for RYR1-related condition. Last evaluated: 2024-05-10. Review status: no assertion criteria provided. Collection method: clinical testing. Allele origin: germline. Not counted in ClinVar's aggregate classification.
Comment: The RYR1 c.6599C>T variant is predicted to result in the amino acid substitution p.Ala2200Val. This variant has been reported in several individuals with either malignant hyperthermia (MH) events or positive in vitro muscle contracture tests, suggesting MH susceptibility (MHS) (Sambuughin et al. 2005. PubMed ID: 15731587; Galli et al. 2006. PubMed ID: 16835904; Robinson et al. 2006. PubMed ID: 16917943; Kraeva et al. 2011. PubMed ID: 21455645; Klingler et al. 2014. PubMed ID: 24433488; Miller et al. 2018. PubMed ID: 30236257). This variant was also reported in an individual with myalgia and exercise intolerance and mild myopathic findings from a muscle biopsy (Rubegni. 2019. PubMed ID: 31517061). However, in one study this variant was indicated to not segregate with MHS in a family that had a different RYR1 MH pathogenic variant detected (Zullo et al. 2009. PubMed ID: 19191333). At PreventionGenetics, we have previously observed this variant in two patients with reported MH events and an additional patient with recurrent rhabdomyolysis (internal data). This variant has been reported in a large population database with 11 alleles previously and with a recent updated version it is observed in 79 alleles, which may be too common for a primary cause of an autosomal dominant disease. This variant has been observed in individuals with another RYR1 variant (internal and literature) and may suggest it acts in more of a recessive manner. This variant is reported in ClinVar as uncertain by the ClinGen Malignant Hyperthermia Susceptibility Variant Curation Expert Panel. Although we suspect this variant could possibly contribute to RYR1-related disorders, at this time, the clinical significance of this variant is uncertain due to the absence of conclusive functional and genetic evidence.

RYR1 database
No classification provided. Review status: no classification provided. Collection method: not provided. Allele origin: unknown. Not counted in ClinVar's aggregate classification.

Literature cited by the submitters: PubMed 15731587 (cited by 6 submitters); PubMed 21455645 (cited by 6 submitters); PubMed 30236257 (cited by 4 submitters); PubMed 21118704 (cited by OLLIN Analises Genomicas, OLLIN); PubMed 16835904 (cited by 3 submitters); PubMed 31517061 (cited by Women's Health and Genetics/Laboratory Corporation of America, LabCorp); PubMed 19191333 (cited by 3 submitters); PubMed 36833224 (cited by Women's Health and Genetics/Laboratory Corporation of America, LabCorp).